The following is an entry in ClinVar:

ClinVar aggregate classification (germline): Likely benign (1 of 4 stars; one submission).

Allele frequency attached by ClinVar (database versions not stated): ExAC 0.00158; gnomAD 0.00438; TOPMed 0.00496; ESP Exome Variant Server 0.00546; 1000 Genomes Project 0.00779; 1000 Genomes Project 30x 0.00812.
gnomAD v4.1: 1,310 of 1,610,338 alleles (0.081%); highest among the groups gnomAD compares: African/African-American, 1.5%; 14 homozygotes.

Submission:

GeneDx
Classification: Likely benign. Last evaluated: 2018-09-18. Review status: criteria provided, single submitter. Criteria: GeneDx Variant Classification Process June 2021. Collection method: clinical testing. Allele origin: germline. Affected: yes.
Comment: See Variant Classification Assertion Criteria.

NM_001089.3(ABCA3):c.2053-23C>T

Gene: ABCA3 (ATP binding cassette subfamily A member 3; minus strand). Cytogenetic location: 16p13.3.
Variant type: single nucleotide variant.
Coding change: c.2053-23C>T on transcript NM_001089.3 (MANE Select); 23 bases into the intron before coding-DNA position 2053, C replaced by T.
Molecular consequence: intron variant.
Genome position (GRCh38, 1-based): chr16:2,297,562, G>A on the plus strand (C>T on the coding strand, the complement: ABCA3 is on the minus strand). VCF-style: chr16-2297562-G-A. GRCh37 (hg19) VCF-style: chr16-2347563-G-A.
Identifiers: ClinVar variation 1706819 (VCV001706819.2), dbSNP rs112851043, ClinGen allele CA7840963.